The following is an entry in ClinVar:

NM_015271.5(TRIM2):c.832A>G (p.Ile278Val)

Gene: TRIM2 (tripartite motif containing 2; plus strand). Cytogenetic location: 4q31.3.
Variant type: single nucleotide variant.
Coding change: c.832A>G on transcript NM_015271.5 (MANE Select); coding-DNA position 832, A replaced by G.
Protein change: p.Ile278Val; replaces isoleucine 278 with valine.
Molecular consequence: missense variant.
Genome position (GRCh38, 1-based): chr4:153,295,358, A>G. VCF-style: chr4-153295358-A-G. GRCh37 (hg19) VCF-style: chr4-154216510-A-G.
Other names: c.751A>G, p.Ile251Val (NM_001130067.2, NM_001351056.2, NM_001375512.1 and 5 more transcripts); c.805A>G, p.Ile269Val (NM_001351054.2); c.802A>G, p.Ile268Val (NM_001351055.2); c.376A>G, p.Ile126Val (NM_001351057.2); c.925A>G, p.Ile309Val (NM_001375488.1); c.922A>G, p.Ile308Val (NM_001375489.1); c.775A>G, p.Ile259Val (NM_001375490.1); c.772A>G, p.Ile258Val (NM_001375491.1); and 3 more; short protein forms I166V, I165V, I251V, I259V, I268V, I126V, I258V, I269V.
Identifiers: ClinVar variation 2819244 (VCV002819244.3), dbSNP rs1762566621, ClinGen allele CA358472366.

ClinVar aggregate classification (germline): Uncertain significance (1 of 4 stars; one submission).

Conditions:
Charcot-Marie-Tooth disease type 2R. Also called: Charcot-Marie-Tooth disease, axonal, type 2R; CHARCOT-MARIE-TOOTH DISEASE, AXONAL, AUTOSOMAL RECESSIVE, TYPE 2R; CHARCOT-MARIE-TOOTH NEUROPATHY, TYPE 2R. Identifiers: Orphanet 397968, MedGen C3809655, MONDO:0014208, OMIM 615490.

Submission:

Labcorp Genetics (formerly Invitae), Labcorp
Classification: Uncertain significance for Charcot-Marie-Tooth disease type 2R. Last evaluated: 2023-08-09. Review status: criteria provided, single submitter. Criteria: Invitae Variant Classification Sherloc (09022015). Collection method: clinical testing. Allele origin: germline.
Comment: In summary, the available evidence is currently insufficient to determine the role of this variant in disease. Therefore, it has been classified as a Variant of Uncertain Significance. An algorithm developed to predict the effect of missense changes on protein structure and function (PolyPhen-2) suggests that this variant is likely to be tolerated. This variant has not been reported in the literature in individuals affected with TRIM2-related conditions. This variant is not present in population databases (gnomAD no frequency). This sequence change replaces isoleucine, which is neutral and non-polar, with valine, which is neutral and non-polar, at codon 251 of the TRIM2 protein (p.Ile251Val).